The following is an entry in ClinVar:

ClinVar aggregate classification (germline): Pathogenic (1 of 4 stars; one submission).

Conditions:
Methylcobalamin deficiency type cblE (HMAE). Also called: VITAMIN B12-RESPONSIVE HOMOCYSTINURIA, cblE TYPE; HOMOCYSTINURIA-MEGALOBLASTIC ANEMIA, cblE COMPLEMENTATION TYPE; HOMOCYSTINURIA-MEGALOBLASTIC ANEMIA, cblE TYPE. Identifiers: Orphanet 2169, Orphanet 622, MedGen C1856057, MONDO:0009354, OMIM 236270.

Submission:

Labcorp Genetics (formerly Invitae), Labcorp
Classification: Pathogenic for Methylcobalamin deficiency type cblE. Last evaluated: 2023-09-06. Review status: criteria provided, single submitter. Criteria: Invitae Variant Classification Sherloc (09022015). Collection method: clinical testing. Allele origin: germline.
Comment: This variant has not been reported in the literature in individuals affected with MTRR-related conditions. For these reasons, this variant has been classified as Pathogenic. This variant is not present in population databases (gnomAD no frequency). This sequence change creates a premature translational stop signal (p.Asp288*) in the MTRR gene. It is expected to result in an absent or disrupted protein product. Loss-of-function variants in MTRR are known to be pathogenic (PMID: 15714522).

Literature cited by the submitters: PubMed 15714522.

NM_002454.3(MTRR):c.861dup (p.Asp288Ter)

Gene: MTRR (5-methyltetrahydrofolate-homocysteine methyltransferase reductase; plus strand). Cytogenetic location: 5p15.31.
Variant type: Duplication.
Coding change: c.861dup on transcript NM_002454.3 (MANE Select); coding-DNA position 861, one base duplicated (T; older notation c.861dupT).
Protein change: p.Asp288Ter; replaces aspartic acid 288 with a stop codon.
Molecular consequence: nonsense. On other transcripts: non-coding transcript variant (14).
Genome position (GRCh38, 1-based): chr5:7,883,235, T duplicated. VCF-style (leftmost placement, unchanged base first): chr5-7883234-A-AT. GRCh37 (hg19) VCF-style: chr5-7883347-A-AT.
Other names: c.861dup, p.Asp288Ter (NM_001364440.2, NM_001364441.2, NM_001364442.2 and 1 more transcripts); short protein forms D288*.
Identifiers: ClinVar variation 2758593 (VCV002758593.3), dbSNP rs2478890930, ClinGen allele CA2697547029.